The following is an entry in ClinVar:

ClinVar aggregate classification (germline): Uncertain significance. Review status: criteria provided, multiple submitters, no conflicts (2 of 4 stars). 3 submissions from 3 submitters: Uncertain significance (3). Last evaluated 2026-04-01.

Conditions:
Hereditary cancer-predisposing syndrome. Also called: Tumor predisposition; Neoplastic Syndromes, Hereditary; Hereditary neoplastic syndrome; Hereditary Cancer Syndrome. Identifiers: Orphanet 140162, MedGen C0027672, MeSH D009386, MONDO:0015356.
Hereditary pheochromocytoma and paraganglioma. Also called: Hereditary paragangliomas and pheochromocytomas; Hereditary Paraganglioma-Pheochromocytoma Syndromes; Hereditary pheochromocytoma-paraganglioma. Identifiers: Orphanet 29072, MedGen C4274332, MONDO:0017366.

Submissions (3):

Ambry Genetics
Classification: Uncertain significance for Hereditary cancer-predisposing syndrome. Last evaluated: 2026-04-01. Review status: criteria provided, single submitter. Criteria: Ambry Variant Classification Scheme 2023. Collection method: clinical testing. Allele origin: germline.

Labcorp Genetics (formerly Invitae), Labcorp
Classification: Uncertain significance for Hereditary pheochromocytoma and paraganglioma. Last evaluated: 2026-01-05. Review status: criteria provided, single submitter. Criteria: Invitae Variant Classification Sherloc (09022015). Collection method: clinical testing. Allele origin: germline.
Comment: This sequence change replaces phenylalanine, which is neutral and non-polar, with valine, which is neutral and non-polar, at codon 34 of the SDHAF2 protein (p.Phe34Val). This variant is not present in population databases (gnomAD no frequency). This variant has not been reported in the literature in individuals affected with SDHAF2-related conditions. ClinVar contains an entry for this variant (Variation ID: 822005). An algorithm developed to predict the effect of missense changes on protein structure and function (PolyPhen-2) suggests that this variant is likely to be tolerated. In summary, the available evidence is currently insufficient to determine the role of this variant in disease. Therefore, it has been classified as a Variant of Uncertain Significance.

Sema4
Classification: Uncertain significance for Hereditary cancer-predisposing syndrome. Last evaluated: 2022-03-16. Review status: criteria provided, single submitter. Criteria: Sema4 Curation Guidelines. Collection method: curation. Allele origin: germline.
Comment: To the best of our knowledge, the SDHAF2 c.100T>G (p.F34V) variant has not been reported in individuals with SDHAF2-related disease. It was not observed in the large and broad cohorts of the Genome Aggregation Database (PMID: 32461654). This variant has been reported in ClinVar (Variation ID 822005). Functional studies have not been performed, and in silico predictions of the variant's effect on protein function are inconclusive. The evidence is insufficient to meet ACMG/AMP criteria for classifying the variant as benign or pathogenic. Thus, the clinical significance of this variant is currently uncertain.

NM_017841.4(SDHAF2):c.100T>G (p.Phe34Val)

Gene: SDHAF2 (succinate dehydrogenase complex assembly factor 2; plus strand). Cytogenetic location: 11q12.2.
Variant type: single nucleotide variant.
Coding change: c.100T>G on transcript NM_017841.4 (MANE Select); coding-DNA position 100, T replaced by G.
Protein change: p.Phe34Val; replaces phenylalanine 34 with valine.
Molecular consequence: missense variant.
Genome position (GRCh38, 1-based): chr11:61,437,688, T>G. VCF-style: chr11-61437688-T-G. GRCh37 (hg19) VCF-style: chr11-61205160-T-G.
Other names: short protein forms F34V.
Identifiers: ClinVar variation 822005 (VCV000822005.15), dbSNP rs756917732, ClinGen allele CA380683046.